The following is an entry in ClinVar:

NM_000368.5(TSC1):c.1263+6_1263+8dup

Gene: TSC1 (TSC complex subunit 1; minus strand). Cytogenetic location: 9q34.13.
Variant type: Duplication.
Coding change: c.1263+6_1263+8dup on transcript NM_000368.5 (MANE Select); bases 6 to 8 of the intron after coding-DNA position 1263, 3 bases duplicated (ATC; older notation c.1263+6_1263+8dupATC).
Molecular consequence: intron variant.
Genome position (GRCh38, 1-based): chr9:132,910,563-132,910,565, GAT duplicated on the plus strand (ATC on the coding strand, the reverse complement: TSC1 is on the minus strand). VCF-style (leftmost placement, unchanged base first): chr9-132910562-G-GGAT. GRCh37 (hg19) VCF-style: chr9-135785949-G-GGAT.
Other names: c.900+6_900+8dup (NM_001362177.2); c.1110+6_1110+8dup (NM_001162427.2); c.1260+6_1260+8dup (NM_001162426.2); c.1263+6_1263+8dupATC (NM_000368.4).
Identifiers: ClinVar variation 416645 (VCV000416645.17), dbSNP rs751182565, ClinGen allele CA5301768.

ClinVar aggregate classification (germline): Benign/Likely benign. Review status: criteria provided, multiple submitters, no conflicts (2 of 4 stars). 7 submissions from 7 submitters: Benign (1); Likely benign (5). 1 of the submissions does not count toward it. Last evaluated 2025-10-14.

Conditions:
TSC1-related disorder. Also called: TSC1-related condition.
Tuberous sclerosis 1 (TSC1). Identifiers: Orphanet 805, MedGen C1854465, MONDO:0008612, OMIM 191100.
Lymphangiomyomatosis (LAM). Also called: Lymphangioleiomyomatosis, somatic; Lymphangioleiomyomatosis. Identifiers: Orphanet 538, MedGen C0751674, MONDO:0011705, OMIM 606690.
Isolated focal cortical dysplasia type II (FCORD2). Also called: Focal cortical dysplasia type II; CORTICAL DYSPLASIA OF TAYLOR. Identifiers: Orphanet 268994, MedGen C1846385, MONDO:0011818, OMIM 607341, HP:0032051.

Allele frequency attached by ClinVar (database versions not stated): ExAC 0.00001; gnomAD 0.00001; gnomAD exomes 0.00001 and 0.00002; TOPMed 0.00001.

Submissions (7):

Labcorp Genetics (formerly Invitae), Labcorp
Classification: Likely benign for Tuberous sclerosis 1. Last evaluated: 2025-10-14. Review status: criteria provided, single submitter. Criteria: Invitae Variant Classification Sherloc (09022015). Collection method: clinical testing. Allele origin: germline.

Myriad Genetics, Inc.
Classification: Likely benign for Tuberous sclerosis 1. Last evaluated: 2025-04-09. Review status: criteria provided, single submitter. Criteria: Myriad Autosomal Dominant, Autosomal Recessive and X-Linked Classification Criteria (2023). Collection method: clinical testing. Allele origin: unknown.
Comment: This variant is considered likely benign. This variant is intronic and is not expected to impact mRNA splicing.

Blueprint Genetics
Classification: Likely benign. Last evaluated: 2023-09-15. Review status: criteria provided, single submitter. Criteria: ACMG Guidelines, 2015. Collection method: clinical testing. Allele origin: germline.

Fulgent Genetics
Classification: Likely benign for Tuberous sclerosis 1; Lymphangiomyomatosis; Isolated focal cortical dysplasia type II. Last evaluated: 2022-05-20. Review status: criteria provided, single submitter. Criteria: ACMG Guidelines, 2015. Collection method: clinical testing. Allele origin: unknown.

Genome-Nilou Lab
Classification: Benign for Tuberous sclerosis 1. Last evaluated: 2021-11-07. Review status: criteria provided, single submitter. Criteria: ACMG Guidelines, 2015. Collection method: clinical testing. Allele origin: germline. Affected: no.

GeneDx
Classification: Likely benign. Last evaluated: 2017-10-26. Review status: criteria provided, single submitter. Criteria: GeneDx Variant Classification (06012015). Collection method: clinical testing. Allele origin: germline. Affected: yes.
Comment: This variant is considered likely benign or benign based on one or more of the following criteria: it is a conservative change, it occurs at a poorly conserved position in the protein, it is predicted to be benign by multiple in silico algorithms, and/or has population frequency not consistent with disease.

PreventionGenetics, part of Exact Sciences
Classification: Likely benign for TSC1-related condition. Last evaluated: 2024-05-21. Review status: no assertion criteria provided. Collection method: clinical testing. Allele origin: germline. Not counted in ClinVar's aggregate classification.
Comment: This variant is classified as likely benign based on ACMG/AMP sequence variant interpretation guidelines (Richards et al. 2015 PMID: 25741868, with internal and published modifications).